The following is an entry in ClinVar:

ClinVar aggregate classification (germline): Uncertain significance (1 of 4 stars; one submission).

Conditions:
Congenital primary aphakia. Also called: Anterior segment dysgenesis 2, multiple subtypes; ANTERIOR SEGMENT DYSGENESIS 2. Identifiers: Orphanet 83461, MedGen C1853230, MONDO:0012456, OMIM 610256.
Anterior segment dysgenesis. Also called: Ocular anterior segment dysgenesis. Identifiers: Orphanet 88632, MedGen C1862839, MONDO:0019503, HP:0007700.

Submission:

Labcorp Genetics (formerly Invitae), Labcorp
Classification: Uncertain significance for Anterior segment dysgenesis; Congenital primary aphakia. Last evaluated: 2025-12-24. Review status: criteria provided, single submitter. Criteria: Invitae Variant Classification Sherloc (09022015). Collection method: clinical testing. Allele origin: germline.
Comment: This sequence change affects codon 176 of the FOXE3 mRNA. It is a 'silent' change, meaning that it does not change the encoded amino acid sequence of the FOXE3 protein. This variant is not present in population databases (gnomAD no frequency). This variant has not been reported in the literature in individuals affected with FOXE3-related conditions. ClinVar contains an entry for this variant (Variation ID: 3753215). In summary, the available evidence is currently insufficient to determine the role of this variant in disease. Therefore, it has been classified as a Variant of Uncertain Significance.

NM_012186.3(FOXE3):c.528G>C (p.Ala176=)

Genes: FOXE3 (forkhead box E3; plus strand), LINC01389 (long independently transcribed non-coding RNA 1389; minus strand). Cytogenetic location: 1p33.
Variant type: single nucleotide variant.
Coding change: c.528G>C on transcript NM_012186.3 (MANE Select); coding-DNA position 528, G replaced by C.
Protein change: p.Ala176=; no amino-acid change (alanine 176 retained).
Molecular consequence: synonymous variant.
Genome position (GRCh38, 1-based): chr1:47,416,843, G>C. VCF-style: chr1-47416843-G-C. GRCh37 (hg19) VCF-style: chr1-47882515-G-C.
Identifiers: ClinVar variation 3753215 (VCV003753215.2).
Genomic context (GRCh38, chr1:47,416,843, plus strand): 5'-CAACGGCAGCTTCCTGCGGCGCCGCAAGCGCTTCAAGCGCGCCGAGCTGCCCGCGCACGC[G>C]GCCGCGGCGCCAGGGCCGCCGCTCCCCTTCCCCTACGCGCCCTACGCGCCCGCGCCCGGC-3'
Protein context (NP_036318.1, residues 166-186): RFKRAELPAH[Ala176=]AAAPGPPLPF